The following is an entry in ClinVar:

NM_030665.4(RAI1):c.484G>A (p.Ala162Thr)

Gene: RAI1 (retinoic acid induced 1; plus strand). Cytogenetic location: 17p11.2.
Variant type: single nucleotide variant.
Coding change: c.484G>A on transcript NM_030665.4 (MANE Select); coding-DNA position 484, G replaced by A.
Protein change: p.Ala162Thr; replaces alanine 162 with threonine.
Molecular consequence: missense variant.
Genome position (GRCh38, 1-based): chr17:17,793,432, G>A. VCF-style: chr17-17793432-G-A. GRCh37 (hg19) VCF-style: chr17-17696746-G-A.
Other names: short protein forms A162T.
Identifiers: ClinVar variation 196541 (VCV000196541.8), dbSNP rs781632642, ClinGen allele CA243526.
Genomic context (GRCh38, chr17:17,793,432, plus strand): 5'-GATGAGAACTTGATGAAAAAGACAGCAGTGCCCCCCAGCAGGCAGTATGCAGAGCAGGGC[G>A]CCCAGGTGCCCTTTCGGACTCACTCCCTGCACGTCCAGCAGCCACCGCCGCCCCAGCAGC-3'
Protein context (NP_109590.3, residues 152-172): PPSRQYAEQG[Ala162Thr]QVPFRTHSLH

ClinVar aggregate classification (germline): Conflicting classifications of pathogenicity. Review status: criteria provided, conflicting classifications (1 of 4 stars). 3 submissions from 3 submitters: Uncertain significance (2); Likely benign (1). Last evaluated 2025-03-05.

Allele frequency attached by ClinVar (database versions not stated): gnomAD 0.00001; gnomAD exomes 0.00002; TOPMed 0.00002; ExAC 0.00003.
gnomAD v4.1: 25 of 1,613,122 alleles (0.0015%); highest among the groups gnomAD compares: South Asian, 0.0088%; no homozygotes.

Submissions (3):

Labcorp Genetics (formerly Invitae), Labcorp
Classification: Uncertain significance. Last evaluated: 2025-03-05. Review status: criteria provided, single submitter. Criteria: Invitae Variant Classification Sherloc (09022015). Collection method: clinical testing. Allele origin: germline.
Comment: This sequence change replaces alanine, which is neutral and non-polar, with threonine, which is neutral and polar, at codon 162 of the RAI1 protein (p.Ala162Thr). This variant is present in population databases (rs781632642, gnomAD 0.004%). This variant has not been reported in the literature in individuals affected with RAI1-related conditions. ClinVar contains an entry for this variant (Variation ID: 196541). Invitae Evidence Modeling of protein sequence and biophysical properties (such as structural, functional, and spatial information, amino acid conservation, physicochemical variation, residue mobility, and thermodynamic stability) indicates that this missense variant is not expected to disrupt RAI1 protein function with a negative predictive value of 80%. In summary, the available evidence is currently insufficient to determine the role of this variant in disease. Therefore, it has been classified as a Variant of Uncertain Significance.

Blueprint Genetics
Classification: Likely benign. Last evaluated: 2021-06-29. Review status: criteria provided, single submitter. Criteria: ACMG Guidelines, 2015. Collection method: clinical testing. Allele origin: germline.

Eurofins Ntd Llc (ga)
Classification: Uncertain significance. Last evaluated: 2015-04-23. Review status: criteria provided, single submitter. Criteria: EGL Classification Definitions 2015. Collection method: clinical testing. Allele origin: germline. Observed: 1 variant allele, 1 heterozygote.